The following is an entry in ClinVar:

NM_014008.5(CCDC22):c.1287C>T (p.Leu429=)

Gene: CCDC22 (CCC complex scaffolding subunit CCDC22; plus strand). Cytogenetic location: Xp11.23.
Variant type: single nucleotide variant.
Coding change: c.1287C>T on transcript NM_014008.5 (MANE Select); coding-DNA position 1287, C replaced by T.
Protein change: p.Leu429=; no amino-acid change (leucine 429 retained).
Molecular consequence: synonymous variant.
Genome position (GRCh38, 1-based): chrX:49,248,481, C>T. VCF-style: chrX-49248481-C-T. GRCh37 (hg19) VCF-style: chrX-49104942-C-T.
Identifiers: ClinVar variation 3037595 (VCV003037595.2), dbSNP rs140806879, ClinGen allele CA10411471.
Genomic context (GRCh38, chrX:49,248,481, plus strand): 5'-TAGTGCCCAGCGGGTCATCCACTTGGCGGGTCAGTGGGAGAAGCACCGGGTCCCACTCCT[C>T]GCTGAGTACCGCCACCTCCGAAAGCTGCAGGATTGCAGAGAGGTAAGCAGTGGGGCCCTG-3'
Protein context (NP_054727.1, residues 419-439): GQWEKHRVPL[Leu429=]AEYRHLRKLQ

ClinVar aggregate classification (germline): Likely benign (0 of 4 stars; one submission).

Conditions:
CCDC22-related disorder. Also called: CCDC22-related condition.

Allele frequency attached by ClinVar (database versions not stated): gnomAD exomes 0.00004; ExAC 0.00012; gnomAD 0.00017; ESP Exome Variant Server 0.00019; TOPMed 0.00025.

Submission:

PreventionGenetics, part of Exact Sciences
Classification: Likely benign for CCDC22-related condition. Last evaluated: 2019-05-02. Review status: no assertion criteria provided. Collection method: clinical testing. Allele origin: germline.
Comment: This variant is classified as likely benign based on ACMG/AMP sequence variant interpretation guidelines (Richards et al. 2015 PMID: 25741868, with internal and published modifications).